The following is an entry in ClinVar:

ClinVar aggregate classification (germline): Uncertain significance. Review status: criteria provided, multiple submitters, no conflicts (2 of 4 stars). 3 submissions from 3 submitters: Uncertain significance (2). 1 of the submissions does not count toward it. Last evaluated 2021-06-08.

gnomAD v4.1: 4 of 1,613,988 alleles (0.00025%); highest among the groups gnomAD compares: Middle Eastern, 0.016%; no homozygotes.

Submissions (3):

Blueprint Genetics
Classification: Uncertain significance. Last evaluated: 2021-06-08. Review status: criteria provided, single submitter. Criteria: ACMG Guidelines, 2015. Collection method: clinical testing. Allele origin: germline.

GeneDx
Classification: Uncertain significance. Last evaluated: 2017-01-13. Review status: criteria provided, single submitter. Criteria: GeneDx Variant Classification (06012015). Collection method: clinical testing. Allele origin: germline. Affected: yes.
Comment: A variant of uncertain significance has been identified in the CLN8 gene. The A30T variant has not been published as a pathogenic variant, nor has it been reported as a benign variant to our knowledge. A different missense variant at the same position (A30P) has been reported previously in the homozygous state in an individual with variant late-infantile neuronal ceroid lipofuscinosis (Cannelli et al., 2006). The A30T variant is not observed at a significant frequency in large population cohorts (Lek et al., 2016; 1000 Genomes Consortium et al., 2015; Exome Variant Server). The A30T variant is a non-conservative amino acid substitution, which is likely to impact secondary protein structure as these residues differ in polarity, charge, size and/or other properties. This substitution occurs at a position that is conserved in mammals. In silico analysis is inconsistent in its predictions as to whether or not the variant is damaging to the protein structure/function. Based on the currently available information, it is unclear whether this variant is a pathogenic variant or a rare benign variant.

Department of Pathology and Laboratory Medicine, Sinai Health System
Classification: Uncertain significance. Review status: no assertion criteria provided. Collection method: clinical testing. Allele origin: unknown. Affected: yes. Study: The Canadian Open Genetics Repository (COGR). Not counted in ClinVar's aggregate classification.
Comment: The CLN8 p.Ala30Thr variant was not identified in the literature but was identified in dbSNP (ID: rs137852883) and ClinVar (classified as uncertain significance by GeneDx). The variant was identified in control databases in 1 of 251462 chromosomes at a frequency of 0.000003977 (Genome Aggregation Database March 6, 2019, v2.1.1). The variant was observed in the Latino population in 1 of 34590 chromosomes (freq: 0.000029), but was not observed in the African, Ashkenazi Jewish, East Asian, European (Finnish), European (non-Finnish), Other, or South Asian populations. The p.Ala30 residue is conserved in mammals however computational analyses (PolyPhen-2, SIFT, AlignGVGD, BLOSUM, MutationTaster) do not suggest a high likelihood of impact to the protein; this information is not predictive enough to rule out pathogenicity. The variant occurs outside of the splicing consensus sequence and in silico or computational prediction software programs (SpliceSiteFinder, MaxEntScan, NNSPLICE, GeneSplicer) do not predict a difference in splicing. In summary, based on the above information the clinical significance of this variant cannot be determined with certainty at this time. This variant is classified as a variant of uncertain significance.

NM_018941.4(CLN8):c.88G>A (p.Ala30Thr)

Gene: CLN8 (CLN8 transmembrane ER and ERGIC protein; plus strand). Cytogenetic location: 8p23.3.
Variant type: single nucleotide variant.
Coding change: c.88G>A on transcript NM_018941.4 (MANE Select); coding-DNA position 88, G replaced by A.
Protein change: p.Ala30Thr; replaces alanine 30 with threonine.
Molecular consequence: missense variant.
Genome position (GRCh38, 1-based): chr8:1,771,142, G>A. VCF-style: chr8-1771142-G-A. GRCh37 (hg19) VCF-style: chr8-1719308-G-A.
Other names: short protein forms A30T.
Identifiers: ClinVar variation 392756 (VCV000392756.4), dbSNP rs137852883, ClinGen allele CA4599195.